The following is an entry in ClinVar:

NM_001165963.4(SCN1A):c.1604_1608del (p.Arg535fs)

Gene: SCN1A (sodium voltage-gated channel alpha subunit 1; minus strand). Cytogenetic location: 2q24.3.
Variant type: Deletion.
Coding change: c.1604_1608del on transcript NM_001165963.4 (MANE Select); coding-DNA positions 1604 to 1608, 5 bases deleted (GCTTC; older notation c.1604_1608delGCTTC).
Protein change: p.Arg535fs; shifts the reading frame from arginine 535.
Molecular consequence: frameshift variant. On other transcripts: 5 prime UTR variant (1), non-coding transcript variant (1).
Genome position (GRCh38, 1-based): chr2:166,045,097-166,045,101, GAAGC deleted on the plus strand (GCTTC on the coding strand, the reverse complement: SCN1A is on the minus strand); deleting any 5 consecutive bases within chr2:166,045,097-166,045,104 gives the same sequence; the c. name uses the placement nearest the transcript's 3' end. VCF-style (leftmost placement, unchanged base first): chr2-166045096-AGAAGC-A. GRCh37 (hg19) VCF-style: chr2-166901606-AGAAGC-A.
Other names: c.1604_1608del, p.Arg535fs (NM_001353948.2, NM_001353949.2, NM_001353950.2 and 7 more transcripts); c.1601_1605del, p.Arg534fs (NM_001353954.2, NM_001353955.2, NM_001353960.2); c.-822_-818del (NM_001353961.2); short protein forms R534fs, R535fs.
Identifiers: ClinVar variation 4874950 (VCV004874950.2).

ClinVar aggregate classification (germline): Pathogenic (1 of 4 stars; one submission).

Submission:

CeGaT Center for Human Genetics Tuebingen
Classification: Pathogenic. Last evaluated: 2026-05-01. Review status: criteria provided, single submitter. Criteria: CeGaT Center For Human Genetics Tuebingen Variant Classification Criteria Version 2. Collection method: clinical testing. Allele origin: germline. Affected: yes. Observed: 1 variant allele.
Comment: SCN1A: PVS1, PM2